The following is an entry in ClinVar:

NM_194248.3(OTOF):c.3706C>G (p.Arg1236Gly)

Gene: OTOF (otoferlin; minus strand). Cytogenetic location: 2p23.3.
Variant type: single nucleotide variant.
Coding change: c.3706C>G on transcript NM_194248.3 (MANE Select); coding-DNA position 3706, C replaced by G.
Protein change: p.Arg1236Gly; replaces arginine 1236 with glycine.
Molecular consequence: missense variant.
Genome position (GRCh38, 1-based): chr2:26,473,159, G>C on the plus strand (C>G on the coding strand, the complement: OTOF is on the minus strand). VCF-style: chr2-26473159-G-C. GRCh37 (hg19) VCF-style: chr2-26696027-G-C.
Other names: c.3706C>G, p.Arg1236Gly (NM_001287489.2); c.1465C>G, p.Arg489Gly (NM_004802.4, NM_194323.3); c.1636C>G, p.Arg546Gly (NM_194322.3); short protein forms R1236G, R489G, R546G.
Identifiers: ClinVar variation 178507 (VCV000178507.30), dbSNP rs199904558, ClinGen allele CA182458.

ClinVar aggregate classification (germline): Conflicting classifications of pathogenicity. Review status: criteria provided, conflicting classifications (1 of 4 stars). 9 submissions from 9 submitters: Uncertain significance (7); Likely benign (2). Last evaluated 2026-07-01.

Conditions:
Inborn genetic diseases. Identifiers: MedGen C0950123, MeSH D030342.
Autosomal recessive nonsyndromic hearing loss 9. Also called: NEUROSENSORY NONSYNDROMIC RECESSIVE DEAFNESS 9; AUDITORY NEUROPATHY, AUTOSOMAL RECESSIVE, 1, TEMPERATURE-SENSITIVE; OTOF-Related Hearing Loss; Deafness, autosomal recessive 9. Identifiers: Orphanet 90636, MedGen C1832828, MONDO:0010986, OMIM 601071.

Allele frequency attached by ClinVar (database versions not stated): gnomAD 0.00045; ESP Exome Variant Server 0.00062; TOPMed 0.00086.
gnomAD v4.1: 1,565 of 1,612,702 alleles (0.097%); highest among the groups gnomAD compares: Non-Finnish European, 0.12%; 1 homozygote.

Submissions (9):

CeGaT Center for Human Genetics Tuebingen
Classification: Likely benign. Last evaluated: 2026-07-01. Review status: criteria provided, single submitter. Criteria: CeGaT Center For Human Genetics Tuebingen Variant Classification Criteria Version 2. Collection method: clinical testing. Allele origin: germline. Affected: yes. Observed: 2 variant alleles.
Comment: OTOF: BP4

Labcorp Genetics (formerly Invitae), Labcorp
Classification: Likely benign. Last evaluated: 2026-01-22. Review status: criteria provided, single submitter. Criteria: Invitae Variant Classification Sherloc (09022015). Collection method: clinical testing. Allele origin: germline.

Ambry Genetics
Classification: Uncertain significance for Inborn genetic diseases. Last evaluated: 2025-11-24. Review status: criteria provided, single submitter. Criteria: Ambry Variant Classification Scheme 2023. Collection method: clinical testing. Allele origin: germline.

GeneDx
Classification: Uncertain significance. Last evaluated: 2025-01-08. Review status: criteria provided, single submitter. Criteria: GeneDx Variant Classification Process June 2021. Collection method: clinical testing. Allele origin: germline. Affected: yes.
Comment: In silico analysis supports that this missense variant has a deleterious effect on protein structure/function; Has not been previously published as pathogenic or benign to our knowledge

Blueprint Genetics
Classification: Uncertain significance. Last evaluated: 2024-10-30. Review status: criteria provided, single submitter. Criteria: ACMG Guidelines, 2015. Collection method: clinical testing. Allele origin: germline.

Victorian Clinical Genetics Services, Murdoch Childrens Research Institute
Classification: Uncertain significance for Autosomal recessive nonsyndromic hearing loss 9. Last evaluated: 2022-02-02. Review status: criteria provided, single submitter. Criteria: ACMG Guidelines, 2015. Collection method: clinical testing. Allele origin: germline. Inheritance: Autosomal recessive inheritance. Affected: yes.
Comment: Based on the classification scheme VCGS_Germline_v1.3.4, this variant is classified as VUS-3C. Following criteria are met: 0102 - Loss of function is a known mechanism of disease in this gene and is associated with auditory neuropathy, autosomal recessive 1, and deafness, autosomal recessive 9 (MIM#601071). (I) 0106 - This gene is associated with autosomal recessive disease. (I) 0200 - Variant is predicted to result in a missense amino acid change from arginine to glycine. (I) 0251 - This variant is heterozygous. (I) 0304 - Variant is present in gnomAD (v2) <0.01 for a recessive condition (161 heterozygotes, 0 homozygotes). (SP) 0309 - Alternative amino acid changes at the same position has been observed in gnomAD (v2) (highest allele count: 13 heterozygotes, 0 homozygotes). (I) 0502 - Missense variant with conflicting in silico predictions and uninformative conservation. (I) 0604 - Variant is not located in an established domain, motif, hotspot or informative constraint region. (I) 0705 - No comparable missense variants have previous evidence for pathogenicity. (I) 0809 - Previous evidence of pathogenicity for this variant is inconclusive. This variant has been reported as a VUS multiple times in the ClinVar database. (I) 0905 - No published segregation evidence has been identified for this variant. (I) 1007 - No published functional evidence has been identified for this variant. (I) 1208 - Inheritance information for this variant is not currently available in this individual. (I) Legend: (SP) - Supporting pathogenic, (I) - Information, (SB) - Supporting benign

Laboratory for Molecular Medicine, Mass General Brigham Personalized Medicine
Classification: Uncertain significance. Last evaluated: 2018-08-01. Review status: criteria provided, single submitter. Criteria: LMM Criteria. Collection method: clinical testing. Allele origin: germline. Observed: 5 variant alleles.
Comment: Variant classified as Uncertain Significance - Favor Benign. The p.Arg1236Gly va riant in OTOF has been previously reported by our laboratory in two individuals with hearing loss, neither of whom had a second variant on the other allele. It has also been identified in 0.12% (12/10110) of Ashkenazi Jewish and 0.09% (111/ 125738) of European chromosomes by gnomAD. Co mputational prediction tools and conservation analysis do not provide strong sup port for or against an impact to the protein. In summary, while the clinical sig nificance of the p.Arg1236Gly variant is uncertain, its frequency suggests that it is more likely to be benign. ACMG/AMP criteria applied: BS1_Supporting.

Baylor Genetics
Classification: Uncertain significance for Autosomal recessive nonsyndromic hearing loss 9. Last evaluated: 2018-06-21. Review status: criteria provided, single submitter. Criteria: ACMG Guidelines, 2015. Collection method: clinical testing. Allele origin: unknown. Affected: yes.
Comment: This variant was determined to be of uncertain significance according to ACMG Guidelines, 2015 [PMID:25741868].

Illumina Laboratory Services, Illumina
Classification: Uncertain significance for Autosomal recessive nonsyndromic hearing loss 9. Last evaluated: 2017-04-27. Review status: criteria provided, single submitter. Criteria: ICSL Variant Classification Criteria 13 December 2019. Collection method: clinical testing. Allele origin: germline.